The following is an entry in ClinVar:

ClinVar aggregate classification (germline): Uncertain significance (1 of 4 stars; one submission).

Conditions:
Periodontitis, aggressive. Identifiers: MedGen C0031106, MONDO:0980757.
Haim-Munk syndrome (HMS). Also called: COCHIN JEWISH DISORDER; KERATOSIS PALMOPLANTARIS WITH PERIODONTOPATHIA AND ONYCHOGRYPOSIS. Identifiers: Orphanet 2342, MedGen C1855627, MONDO:0009491, OMIM 245010.
Papillon-Lefèvre syndrome (PALS). Also called: KERATOSIS PALMOPLANTARIS WITH PERIODONTOPATHIA; Papillon-Lefevre Disease. Identifiers: Orphanet 678, MedGen C0030360, MONDO:0009490, OMIM 245000.

gnomAD v4.1: 1 of 1,613,372 alleles (0.000062%); highest among the groups gnomAD compares: Non-Finnish European, 0.000085%; no homozygotes.

Submission:

Labcorp Genetics (formerly Invitae), Labcorp
Classification: Uncertain significance for Haim-Munk syndrome; Periodontitis, aggressive; Papillon-Lefèvre syndrome. Last evaluated: 2024-02-05. Review status: criteria provided, single submitter. Criteria: Invitae Variant Classification Sherloc (09022015). Collection method: clinical testing. Allele origin: germline.
Comment: This sequence change falls in intron 5 of the CTSC gene. It does not directly change the encoded amino acid sequence of the CTSC protein. This variant is not present in population databases (gnomAD no frequency). This variant has not been reported in the literature in individuals affected with CTSC-related conditions. ClinVar contains an entry for this variant (Variation ID: 1996359). Algorithms developed to predict the effect of sequence changes on RNA splicing suggest that this variant may disrupt the consensus splice site. In summary, the available evidence is currently insufficient to determine the role of this variant in disease. Therefore, it has been classified as a Variant of Uncertain Significance.

NM_001814.6(CTSC):c.758-16T>G

Gene: CTSC (cathepsin C; minus strand). Cytogenetic location: 11q14.2.
Variant type: single nucleotide variant.
Coding change: c.758-16T>G on transcript NM_001814.6 (MANE Select); 16 bases into the intron before coding-DNA position 758, T replaced by G.
Molecular consequence: intron variant.
Genome position (GRCh38, 1-based): chr11:88,296,280, A>C on the plus strand (T>G on the coding strand, the complement: CTSC is on the minus strand). VCF-style: chr11-88296280-A-C. GRCh37 (hg19) VCF-style: chr11-88029448-A-C.
Identifiers: ClinVar variation 1996359 (VCV001996359.4), dbSNP rs141107832, ClinGen allele CA2580085020.
Genomic context (GRCh38, chr11:88,296,280, plus strand): 5'-CTAGCATACCCATAGAAGCAAATGAGTAGCAGCTGCCACAGGATGCTGGCGATGAAAAAA[A>C]GACACATAATCCAAGAGACATCTGAAGCCTCACAGAGAATCATGCAAAAACCTTAGTGAA-3'